The following is an entry in ClinVar:

NM_006440.5(TXNRD2):c.591+1G>A

Gene: TXNRD2 (thioredoxin reductase 2; minus strand). Cytogenetic location: 22q11.21.
Variant type: single nucleotide variant.
Coding change: c.591+1G>A on transcript NM_006440.5 (MANE Select); the canonical splice donor site of the intron after coding-DNA position 591, G replaced by A.
Molecular consequence: splice donor variant.
Genome position (GRCh38, 1-based): chr22:19,915,213, C>T on the plus strand (G>A on the coding strand, the complement: TXNRD2 is on the minus strand). VCF-style: chr22-19915213-C-T. GRCh37 (hg19) VCF-style: chr22-19902736-C-T.
Other names: c.588+1G>A (NM_001352300.2); c.303+1G>A (NM_001352302.2); c.501+1G>A (NM_001352301.2); c.591+1G>A (NM_001282512.3, NM_006440.3); c.495+1G>A (NM_001352303.2).
Identifiers: ClinVar variation 850099 (VCV000850099.6), dbSNP rs200610775, ClinGen allele CA410692418.

ClinVar aggregate classification (germline): Uncertain significance. Review status: criteria provided, multiple submitters, no conflicts (2 of 4 stars). 3 submissions from 3 submitters: Uncertain significance (3). Last evaluated 2023-08-02.

Conditions:
Cardiovascular phenotype. Identifiers: MedGen CN230736.
Primary dilated cardiomyopathy (DCM). Also called: Dilated Cardiomyopathy. Identifiers: Orphanet 217604, MedGen C0007193, MeSH D002311, MONDO:0005021, HP:0001644. Inheritance: Various modes of inheritance.

gnomAD v4.1: 27 of 1,613,658 alleles (0.0017%); highest among the groups gnomAD compares: Middle Eastern, 0.016%; no homozygotes.

Submissions (3):

GeneDx
Classification: Uncertain significance. Last evaluated: 2023-08-02. Review status: criteria provided, single submitter. Criteria: GeneDx Variant Classification Process June 2021. Collection method: clinical testing. Allele origin: germline. Affected: yes.
Comment: Reported in association with dilated cardiomyopathy; however, specific clinical information was not provided (Mazzarotto et al., 2020); Not observed at significant frequency in large population cohorts (gnomAD); Canonical splice site variant in a gene or region of a gene for which loss of function is not a well-established mechanism of disease; This variant is associated with the following publications: (PMID: 31983221)

Ambry Genetics
Classification: Uncertain significance for Cardiovascular phenotype. Last evaluated: 2023-06-27. Review status: criteria provided, single submitter. Criteria: Ambry Variant Classification Scheme 2023. Collection method: clinical testing. Allele origin: germline.
Comment: The c.591+1G>A intronic variant results from a G to A substitution one nucleotide after coding exon 7 of the TXNRD2 gene. This nucleotide position is highly conserved in available vertebrate species. In silico splice site analysis predicts that this alteration will weaken the native splice donor site. Alterations that disrupt the canonical splice site are expected to cause aberrant splicing, resulting in an abnormal protein or a transcript that is subject to nonsense-mediated mRNA decay. However, the evidence for this gene-disease relationship is limited; therefore, the clinical significance of this alteration is unclear.

Labcorp Genetics (formerly Invitae), Labcorp
Classification: Uncertain significance for Primary dilated cardiomyopathy. Last evaluated: 2019-02-14. Review status: criteria provided, single submitter. Criteria: Invitae Variant Classification Sherloc (09022015). Collection method: clinical testing. Allele origin: germline.
Comment: This sequence change affects a donor splice site in intron 7 of the TXNRD2 gene. It is expected to disrupt RNA splicing and likely results in an absent or disrupted protein product. This variant is not present in population databases (ExAC no frequency). This variant has not been reported in the literature in individuals with TXNRD2-related conditions. Algorithms developed to predict the effect of sequence changes on RNA splicing suggest that this variant may disrupt the consensus splice site, but this prediction has not been confirmed by published transcriptional studies. The current clinical and genetic evidence is not sufficient to establish whether loss-of-function variants in TXNRD2 cause disease. In summary, the available evidence is currently insufficient to determine the role of this variant in disease. Therefore, it has been classified as a Variant of Uncertain Significance.